The following is an entry in ClinVar:

NM_000093.5(COL5A1):c.544G>T (p.Asp182Tyr)

Gene: COL5A1 (collagen type V alpha 1 chain; plus strand). Cytogenetic location: 9q34.3.
Variant type: single nucleotide variant.
Coding change: c.544G>T on transcript NM_000093.5 (MANE Select); coding-DNA position 544, G replaced by T.
Protein change: p.Asp182Tyr; replaces aspartic acid 182 with tyrosine.
Molecular consequence: missense variant.
Genome position (GRCh38, 1-based): chr9:134,701,223, G>T. VCF-style: chr9-134701223-G-T. GRCh37 (hg19) VCF-style: chr9-137593069-G-T.
Other names: c.544G>T, p.Asp182Tyr (NM_001278074.1); short protein forms D182Y.
Identifiers: ClinVar variation 2712510 (VCV002712510.3), dbSNP rs761005141, ClinGen allele CA375443305.
Genomic context (GRCh38, chr9:134,701,223, plus strand): 5'-CTTTGCAGGTGGCACAGAATTGCTCTCAGCGTCCACAAGAAAAATGTCACCTTGATCCTC[G>T]ACTGTAAAAAGAAGACCACCAAATTCCTCGACCGCAGCGACCACCCCATGATCGACATCA-3'
Protein context (NP_000084.3, residues 172-192): VHKKNVTLIL[Asp182Tyr]CKKKTTKFLD

ClinVar aggregate classification (germline): Uncertain significance (1 of 4 stars; one submission).

Conditions:
Ehlers-Danlos syndrome, classic type, 1 (EDSCL1). Also called: EHLERS-DANLOS SYNDROME, GRAVIS TYPE; EHLERS-DANLOS SYNDROME, SEVERE CLASSIC TYPE; Ehlers-Danlos syndrome, type 1; Ehlers-Danlos Syndrome, Classic Type, COL5A1-Related; EDS I. Identifiers: MedGen C0268335, MONDO:0019567, OMIM 130000.

Submission:

Labcorp Genetics (formerly Invitae), Labcorp
Classification: Uncertain significance for Ehlers-Danlos syndrome, classic type, 1. Last evaluated: 2023-12-30. Review status: criteria provided, single submitter. Criteria: Invitae Variant Classification Sherloc (09022015). Collection method: clinical testing. Allele origin: germline.
Comment: This sequence change replaces aspartic acid, which is acidic and polar, with tyrosine, which is neutral and polar, at codon 182 of the COL5A1 protein (p.Asp182Tyr). This variant is not present in population databases (gnomAD no frequency). This variant has not been reported in the literature in individuals affected with COL5A1-related conditions. Advanced modeling of protein sequence and biophysical properties (such as structural, functional, and spatial information, amino acid conservation, physicochemical variation, residue mobility, and thermodynamic stability) has been performed at Invitae for this missense variant, however the output from this modeling did not meet the statistical confidence thresholds required to predict the impact of this variant on COL5A1 protein function. In summary, the available evidence is currently insufficient to determine the role of this variant in disease. Therefore, it has been classified as a Variant of Uncertain Significance.